The following is an entry in ClinVar:

NM_001715.3(BLK):c.143C>G (p.Thr48Ser)

Gene: BLK (BLK proto-oncogene, Src family tyrosine kinase). Cytogenetic location: 8p23.1.
Variant type: single nucleotide variant.
Coding change: c.143C>G on transcript NM_001715.3 (MANE Select); coding-DNA position 143, C replaced by G.
Protein change: p.Thr48Ser; replaces threonine 48 with serine.
Molecular consequence: missense variant. On other transcripts: 5 prime UTR variant (1).
Genome position (GRCh38, 1-based): chr8:11,546,071, C>G. VCF-style: chr8-11546071-C-G. GRCh37 (hg19) VCF-style: chr8-11403580-C-G.
Other names: c.143C>G (NM_001715.2); c.-71C>G (NM_001330465.2); short protein forms T48S.
Identifiers: ClinVar variation 1911409 (VCV001911409.6), dbSNP rs35339715, ClinGen allele CA370311354.
Genomic context (GRCh38, chr8:11,546,071, plus strand): 5'-GCAGGGACTGAAATAACTCAAGTGTGTGTTTTCTACCCAAGGTTGTCTTCAACCACCTTA[C>G]TCCTCCACCGCCCGATGAACACCTGGATGAAGGTAAGAAGGGTGGTTTGGGAAGCTGAGG-3'
Protein context (NP_001706.2, residues 38-58): LPPLVVFNHL[Thr48Ser]PPPPDEHLDE

ClinVar aggregate classification (germline): Uncertain significance. Review status: criteria provided, multiple submitters, no conflicts (2 of 4 stars). 2 submissions from 2 submitters: Uncertain significance (2). Last evaluated 2025-12-19.

Allele frequency attached by ClinVar (database versions not stated): TOPMed below 0.00001; gnomAD 0.00001; gnomAD exomes 0.00001.
gnomAD v4.1: 20 of 1,614,100 alleles (0.0012%); highest among the groups gnomAD compares: Non-Finnish European, 0.0016%; no homozygotes.

Submissions (2):

Labcorp Genetics (formerly Invitae), Labcorp
Classification: Uncertain significance. Last evaluated: 2025-12-19. Review status: criteria provided, single submitter. Criteria: Invitae Variant Classification Sherloc (09022015). Collection method: clinical testing. Allele origin: germline.
Comment: This sequence change replaces threonine, which is neutral and polar, with serine, which is neutral and polar, at codon 48 of the BLK protein (p.Thr48Ser). This variant is present in population databases (no rsID available, gnomAD 0.0009%). This variant has not been reported in the literature in individuals affected with BLK-related conditions. ClinVar contains an entry for this variant (Variation ID: 1911409). An algorithm developed to predict the effect of missense changes on protein structure and function outputs the following: PolyPhen-2: "Benign". The serine amino acid residue is found in multiple mammalian species, which suggests that this missense change does not adversely affect protein function. In summary, the available evidence is currently insufficient to determine the role of this variant in disease. Therefore, it has been classified as a Variant of Uncertain Significance.

Ambry Genetics
Classification: Uncertain significance. Last evaluated: 2025-04-14. Review status: criteria provided, single submitter. Criteria: Ambry Variant Classification Scheme 2023. Collection method: clinical testing. Allele origin: germline.